The following is an entry in ClinVar:

ClinVar aggregate classification (germline): Uncertain significance. Review status: criteria provided, multiple submitters, no conflicts (2 of 4 stars). 4 submissions from 4 submitters: Uncertain significance (4). Last evaluated 2025-11-10.

Conditions:
Autosomal dominant spastic paraplegia type 9. Identifiers: MedGen C1832669, MONDO:0015091.
de Barsy syndrome. Also called: Cutis laxa-corneal clouding-oligophrenia syndrome. Identifiers: Orphanet 2962, MedGen C0268354, MONDO:0017569.
Cutis laxa, autosomal dominant 3 (ADCL3). Identifiers: Orphanet 90348, MedGen C4225268, MONDO:0014706, OMIM 616603.
ALDH18A1-related de Barsy syndrome. Also called: DE BARSY SYNDROME A; Cutis laxa, autosomal recessive IIIA. Identifiers: Orphanet 2962, Orphanet 35664, MedGen C5234852, MONDO:0009053, OMIM 219150.

Allele frequency attached by ClinVar (database versions not stated): gnomAD exomes 0.00001 and 0.00002; ExAC 0.00002.

Submissions (4):

Labcorp Genetics (formerly Invitae), Labcorp
Classification: Uncertain significance for Autosomal dominant spastic paraplegia type 9; de Barsy syndrome; Cutis laxa, autosomal dominant 3. Last evaluated: 2025-11-10. Review status: criteria provided, single submitter. Criteria: Invitae Variant Classification Sherloc (09022015). Collection method: clinical testing. Allele origin: germline.
Comment: This sequence change replaces arginine, which is basic and polar, with histidine, which is basic and polar, at codon 200 of the ALDH18A1 protein (p.Arg200His). This variant is present in population databases (rs746256246, gnomAD 0.02%). This missense change has been observed in individual(s) with clinical features of ALDH18A1-related conditions (PMID: 31130284). ClinVar contains an entry for this variant (Variation ID: 1189201). Invitae Evidence Modeling of protein sequence and biophysical properties (such as structural, functional, and spatial information, amino acid conservation, physicochemical variation, residue mobility, and thermodynamic stability) has been performed for this missense variant. However, the output from this modeling did not meet the statistical confidence thresholds required to predict the impact of this variant on ALDH18A1 protein function. In summary, the available evidence is currently insufficient to determine the role of this variant in disease. Therefore, it has been classified as a Variant of Uncertain Significance.

Genomic Medicine Center of Excellence, King Faisal Specialist Hospital and Research Centre
Classification: Uncertain significance for ALDH18A1-related de Barsy syndrome. Last evaluated: 2024-12-18. Review status: criteria provided, single submitter. Criteria: ACMG Guidelines, 2015. Collection method: clinical testing. Allele origin: germline.

GeneDx
Classification: Uncertain significance. Last evaluated: 2021-05-19. Review status: criteria provided, single submitter. Criteria: GeneDx Variant Classification Process June 2021. Collection method: clinical testing. Allele origin: germline. Affected: yes.
Comment: Reported in apparent homozygous state in proband with microcephaly, intellectual disability, dystonia, and myopathy (Monies et al., 2019); In silico analysis, which includes protein predictors and evolutionary conservation, supports a deleterious effect; This variant is associated with the following publications: (PMID: 31130284)

Breakthrough Genomics
Classification: Uncertain significance. Review status: criteria provided, single submitter. Criteria: ACMG Guidelines, 2015. Collection method: not provided. Allele origin: germline. Inheritance: Autosomal recessive inheritance. Affected: yes.

Literature cited by the submitters: PubMed 31130284 (cited by Labcorp Genetics (formerly Invitae), Labcorp).

NM_002860.4(ALDH18A1):c.599G>A (p.Arg200His)

Gene: ALDH18A1 (aldehyde dehydrogenase 18 family member A1; minus strand). Cytogenetic location: 10q24.1.
Variant type: single nucleotide variant.
Coding change: c.599G>A on transcript NM_002860.4 (MANE Select); coding-DNA position 599, G replaced by A.
Protein change: p.Arg200His; replaces arginine 200 with histidine.
Molecular consequence: missense variant. On other transcripts: 5 prime UTR variant (1).
Genome position (GRCh38, 1-based): chr10:95,633,609, C>T on the plus strand (G>A on the coding strand, the complement: ALDH18A1 is on the minus strand). VCF-style: chr10-95633609-C-T. GRCh37 (hg19) VCF-style: chr10-97393366-C-T.
Other names: c.599G>A, p.Arg200His (NM_001017423.2, NM_001323413.2, NM_001323414.2 and 1 more transcripts); c.266G>A, p.Arg89His (NM_001323412.2, NM_001323416.2, NM_001323418.2); c.494G>A, p.Arg165His (NM_001323417.2); c.-38G>A (NM_001323419.2); short protein forms R165H, R200H, R89H.
Identifiers: ClinVar variation 1189201 (VCV001189201.9), dbSNP rs746256246, ClinGen allele CA5620565.